The following is an entry in ClinVar:

ClinVar aggregate classification (germline): Uncertain significance (1 of 4 stars; one submission).

Submission:

Labcorp Genetics (formerly Invitae), Labcorp
Classification: Uncertain significance. Last evaluated: 2025-08-29. Review status: criteria provided, single submitter. Criteria: Invitae Variant Classification Sherloc (09022015). Collection method: clinical testing. Allele origin: germline.
Comment: This sequence change replaces valine, which is neutral and non-polar, with alanine, which is neutral and non-polar, at codon 454 of the SEPT9 protein (p.Val454Ala). This variant is not present in population databases (gnomAD no frequency). This variant has not been reported in the literature in individuals affected with SEPT9-related conditions. ClinVar contains an entry for this variant (Variation ID: 2445586). Invitae Evidence Modeling of protein sequence and biophysical properties (such as structural, functional, and spatial information, amino acid conservation, physicochemical variation, residue mobility, and thermodynamic stability) has been performed for this missense variant. However, the output from this modeling did not meet the statistical confidence thresholds required to predict the impact of this variant on SEPT9 protein function. In summary, the available evidence is currently insufficient to determine the role of this variant in disease. Therefore, it has been classified as a Variant of Uncertain Significance.

NM_001113491.2(SEPTIN9):c.1415T>C (p.Val472Ala)

Gene: SEPTIN9 (septin 9; plus strand). Cytogenetic location: 17q25.3.
Variant type: single nucleotide variant.
Coding change: c.1415T>C on transcript NM_001113491.2 (MANE Select); coding-DNA position 1415, T replaced by C.
Protein change: p.Val472Ala; replaces valine 472 with alanine.
Molecular consequence: missense variant.
Genome position (GRCh38, 1-based): chr17:77,492,655, T>C. VCF-style: chr17-77492655-T-C. GRCh37 (hg19) VCF-style: chr17-75488737-T-C.
Other names: c.923T>C, p.Val308Ala (NM_001113492.2, NM_001113494.1); c.1394T>C, p.Val465Ala (NM_001113493.2); c.662T>C, p.Val221Ala (NM_001113495.2, NM_001113496.2, NM_001293697.2 and 1 more transcripts); c.1358T>C, p.Val453Ala (NM_001293695.2); c.743T>C, p.Val248Ala (NM_001293696.2); c.1361T>C, p.Val454Ala (NM_006640.5); short protein forms V221A, V248A, V308A, V453A, V454A, V465A, V472A.
Identifiers: ClinVar variation 2445586 (VCV002445586.4), dbSNP rs2510122458, ClinGen allele CA401209737.